The following is an entry in ClinVar:

NM_005502.4(ABCA1):c.1447A>C (p.Thr483Pro)

Gene: ABCA1 (ATP binding cassette subfamily A member 1; minus strand). Cytogenetic location: 9q31.1.
Variant type: single nucleotide variant.
Coding change: c.1447A>C on transcript NM_005502.4 (MANE Select); coding-DNA position 1447, A replaced by C.
Protein change: p.Thr483Pro; replaces threonine 483 with proline.
Molecular consequence: missense variant.
Genome position (GRCh38, 1-based): chr9:104,832,636, T>G on the plus strand (A>C on the coding strand, the complement: ABCA1 is on the minus strand). VCF-style: chr9-104832636-T-G. GRCh37 (hg19) VCF-style: chr9-107594917-T-G.
Other names: short protein forms T483P.
Identifiers: ClinVar variation 1304505 (VCV001304505.2), dbSNP rs2119009606, ClinGen allele CA374325562.

ClinVar aggregate classification (germline): Uncertain significance (1 of 4 stars; one submission).

Submission:

GeneDx
Classification: Uncertain significance. Last evaluated: 2020-11-18. Review status: criteria provided, single submitter. Criteria: GeneDx Variant Classification Process June 2021. Collection method: clinical testing. Allele origin: germline. Affected: yes.
Comment: Not observed in large population cohorts (Lek et al., 2016); In silico analysis supports that this missense variant does not alter protein structure/function; This variant is associated with the following publications: (PMID: 30333156)